The following is an entry in ClinVar:

ClinVar aggregate classification (germline): Uncertain significance. Review status: criteria provided, multiple submitters, no conflicts (2 of 4 stars). 3 submissions from 3 submitters: Uncertain significance (3). Last evaluated 2025-05-11.

Conditions:
Inborn genetic diseases. Identifiers: MedGen C0950123, MeSH D030342.
Autosomal recessive limb-girdle muscular dystrophy type 2A (LGMDR1). Also called: LEYDEN-MOEBIUS MUSCULAR DYSTROPHY; MUSCULAR DYSTROPHY, PELVOFEMORAL; Limb-girdle muscular dystrophy, type 2A; Calpainopathy; Muscular dystrophy, limb-girdle, type 2A, Amish. Identifiers: Orphanet 267, MedGen C1869123, MONDO:0009675, OMIM 253600. Disease mechanism: loss of function.

Allele frequency attached by ClinVar (database versions not stated): gnomAD exomes 0.00001.
gnomAD v4.1: 16 of 1,613,980 alleles (0.00099%); highest among the groups gnomAD compares: East Asian, 0.0045%; no homozygotes.

Submissions (3):

Labcorp Genetics (formerly Invitae), Labcorp
Classification: Uncertain significance for Autosomal recessive limb-girdle muscular dystrophy type 2A. Last evaluated: 2025-05-11. Review status: criteria provided, single submitter. Criteria: Invitae Variant Classification Sherloc (09022015). Collection method: clinical testing. Allele origin: germline.
Comment: This sequence change replaces valine, which is neutral and non-polar, with isoleucine, which is neutral and non-polar, at codon 811 of the CAPN3 protein (p.Val811Ile). This variant is present in population databases (rs200516941, gnomAD 0.006%). This variant has not been reported in the literature in individuals affected with CAPN3-related conditions. ClinVar contains an entry for this variant (Variation ID: 290293). Invitae Evidence Modeling of protein sequence and biophysical properties (such as structural, functional, and spatial information, amino acid conservation, physicochemical variation, residue mobility, and thermodynamic stability) indicates that this missense variant is not expected to disrupt CAPN3 protein function with a negative predictive value of 80%. In summary, the available evidence is currently insufficient to determine the role of this variant in disease. Therefore, it has been classified as a Variant of Uncertain Significance.

Ambry Genetics
Classification: Uncertain significance for Inborn genetic diseases. Last evaluated: 2024-02-28. Review status: criteria provided, single submitter. Criteria: Ambry Variant Classification Scheme 2023. Collection method: clinical testing. Allele origin: germline.

Eurofins Ntd Llc (ga)
Classification: Uncertain significance. Last evaluated: 2016-09-13. Review status: criteria provided, single submitter. Criteria: EGL Classification Definitions 2015. Collection method: clinical testing. Allele origin: germline. Observed: 1 variant allele, 1 heterozygote.

NM_000070.3(CAPN3):c.2431G>A (p.Val811Ile)

Gene: CAPN3 (calpain 3; plus strand). Cytogenetic location: 15q15.1.
Variant type: single nucleotide variant.
Coding change: c.2431G>A on transcript NM_000070.3 (MANE Select); coding-DNA position 2431, G replaced by A.
Protein change: p.Val811Ile; replaces valine 811 with isoleucine.
Molecular consequence: missense variant.
Genome position (GRCh38, 1-based): chr15:42,411,337, G>A. VCF-style: chr15-42411337-G-A. GRCh37 (hg19) VCF-style: chr15-42703535-G-A.
Other names: c.2413G>A, p.Val805Ile (NM_024344.2); c.2155G>A, p.Val719Ile (NM_173087.2); c.895G>A, p.Val299Ile (NM_173088.2); c.436G>A, p.Val146Ile (NM_173089.2, NM_173090.2); c.2431G>A (NM_000070.2); short protein forms V811I, V299I, V146I, V719I, V805I.
Identifiers: ClinVar variation 290293 (VCV000290293.7), dbSNP rs200516941, ClinGen allele CA10606726.
Genomic context (GRCh38, chr15:42,411,337, plus strand): 5'-TCTTTCACAGGAGCTTTTCATGCATTTGACAAGGATGGAGATGGTATCATCAAGCTCAAC[G>A]TTCTGGAGGTAAAGCATAGGCACAGCACATTCCCCCTACACATTAAAACTCAAGGTGGAG-3'
Protein context (NP_000061.1, residues 801-821): KDGDGIIKLN[Val811Ile]LEWLQLTMYA